The following is an entry in ClinVar:

NM_000057.4(BLM):c.3311G>C (p.Gly1104Ala)

Gene: BLM (BLM RecQ like helicase; plus strand). Cytogenetic location: 15q26.1.
Variant type: single nucleotide variant.
Coding change: c.3311G>C on transcript NM_000057.4 (MANE Select); coding-DNA position 3311, G replaced by C.
Protein change: p.Gly1104Ala; replaces glycine 1104 with alanine.
Molecular consequence: missense variant.
Genome position (GRCh38, 1-based): chr15:90,798,290, G>C. VCF-style: chr15-90798290-G-C. GRCh37 (hg19) VCF-style: chr15-91341520-G-C.
Other names: c.3311G>C, p.Gly1104Ala (NM_001287246.2, NM_001287247.2); c.2186G>C, p.Gly729Ala (NM_001287248.2); short protein forms G1104A, G729A.
Identifiers: ClinVar variation 4824937 (VCV004824937.1).

ClinVar aggregate classification (germline): Uncertain significance (1 of 4 stars; one submission).

Conditions:
Hereditary cancer-predisposing syndrome. Also called: Neoplastic Syndromes, Hereditary; Tumor predisposition; Hereditary Cancer Syndrome; Hereditary neoplastic syndrome. Identifiers: Orphanet 140162, MedGen C0027672, MeSH D009386, MONDO:0015356.

Submission:

Ambry Genetics
Classification: Uncertain significance for Hereditary cancer-predisposing syndrome. Last evaluated: 2026-01-20. Review status: criteria provided, single submitter. Criteria: Ambry Variant Classification Scheme 2023. Collection method: clinical testing. Allele origin: germline.
Comment: The p.G1104A variant (also known as c.3311G>C), located in coding exon 16 of the BLM gene, results from a G to C substitution at nucleotide position 3311. The glycine at codon 1104 is replaced by alanine, an amino acid with similar properties. This amino acid position is conserved. In addition, this alteration is predicted to be tolerated by in silico analysis. Based on the available evidence, the clinical significance of this variant remains unclear.